The following is an entry in ClinVar:

ClinVar aggregate classification (germline): Likely benign (0 of 4 stars; one submission).

Conditions:
SHROOM3-related disorder. Also called: SHROOM3-related condition.

Allele frequency attached by ClinVar (database versions not stated): 1000 Genomes Project 0.00100.

Submissions (2):

PreventionGenetics, part of Exact Sciences
Classification: Likely benign for SHROOM3-related condition. Last evaluated: 2019-10-29. Review status: no assertion criteria provided. Collection method: clinical testing. Allele origin: germline.
Comment: This variant is classified as likely benign based on ACMG/AMP sequence variant interpretation guidelines (Richards et al. 2015 PMID: 25741868, with internal and published modifications).

Dr. Peter K. Rogan Lab, Western University
No classification provided (evidence only). Condition: Lung cancer. Review status: no classification provided. Collection method: in vitro. Allele origin: not applicable. Functional consequence: skipped exon. Not counted in ClinVar's aggregate classification.

NM_020859.4(SHROOM3):c.4602G>A (p.Pro1534=)

Genes: SHROOM3 (shroom family member 3; plus strand), SHROOM3-AS1 (SHROOM3 antisense RNA 1; minus strand). Cytogenetic location: 4q21.1.
Variant type: single nucleotide variant.
Coding change: c.4602G>A on transcript NM_020859.4 (MANE Select); coding-DNA position 4602, G replaced by A.
Protein change: p.Pro1534=; no amino-acid change (proline 1534 retained).
Molecular consequence: synonymous variant.
Genome position (GRCh38, 1-based): chr4:76,755,085, G>A. VCF-style: chr4-76755085-G-A. GRCh37 (hg19) VCF-style: chr4-77676238-G-A.
Other names: NC_000004.11:g.77676238G>A.
Identifiers: ClinVar variation 3040201 (VCV003040201.3), dbSNP rs150704894, ClinGen allele CA2973053.
Genomic context (GRCh38, chr4:76,755,085, plus strand): 5'-CCCCAAGGCCACGTCCAGCCCCACATTTGAACCTCTTCCCCCACCCCCACCTCCTCCACC[G>A]AGTCAGGAAACCCCGGTGTATAGCATGGATGACTTCCCTCCACCTCCTCCCCACACTGTA-3'
Protein context (NP_065910.3, residues 1524-1544): EPLPPPPPPP[Pro1534=]SQETPVYSMD